The following is an entry in ClinVar:

NM_004371.4(COPA):c.2273C>G (p.Ala758Gly)

Gene: COPA (coat protein complex I subunit alpha; minus strand). Cytogenetic location: 1q23.2.
Variant type: single nucleotide variant.
Coding change: c.2273C>G on transcript NM_004371.4 (MANE Select); coding-DNA position 2273, C replaced by G.
Protein change: p.Ala758Gly; replaces alanine 758 with glycine.
Molecular consequence: missense variant.
Genome position (GRCh38, 1-based): chr1:160,296,140, G>C on the plus strand (C>G on the coding strand, the complement: COPA is on the minus strand). VCF-style: chr1-160296140-G-C. GRCh37 (hg19) VCF-style: chr1-160265930-G-C.
Other names: p.Ala758Gly; c.2300C>G, p.Ala767Gly (NM_001098398.2); short protein forms A758G, A767G.
Identifiers: ClinVar variation 952965 (VCV000952965.10), dbSNP rs941514851, ClinGen allele CA31535426.
Genomic context (GRCh38, chr1:160,296,140, plus strand): 5'-AATGTCTCCTTTAGGCTCTCAGCTTCTTCATCTAAGCCATGGGTAGCAGCTGTGAGATAG[G>C]CCAGGGACTCTGTAGAGAAAACAGACTTTGTGGTATAGGTACATTTCCAAATGCATGCTG-3'
Protein context (NP_004362.2, residues 748-768): ILKNCGQKSL[Ala758Gly]YLTAATHGLD

ClinVar aggregate classification (germline): Uncertain significance. Review status: criteria provided, multiple submitters, no conflicts (2 of 4 stars). 2 submissions from 2 submitters: Uncertain significance (2). Last evaluated 2024-04-08.

Conditions:
Autoimmune interstitial lung disease-arthritis syndrome. Also called: Autoinflammation and autoimmunity, systemic, with immune dysregulation. Identifiers: Orphanet 444092, MedGen C5975714, MONDO:0014629.

Allele frequency attached by ClinVar (database versions not stated): gnomAD exomes below 0.00001; gnomAD 0.00001; TOPMed 0.00001.
gnomAD v4.1: 2 of 1,614,002 alleles (0.00012%); highest among the groups gnomAD compares: Non-Finnish European, 0.00017%; no homozygotes.

Submissions (2):

Mayo Clinic Laboratories, Mayo Clinic
Classification: Uncertain significance. Last evaluated: 2024-04-08. Review status: criteria provided, single submitter. Criteria: ACMG Guidelines, 2015. Collection method: clinical testing. Allele origin: germline. Observed: 1 variant allele.
Comment: PP2, PP3, PM2

Labcorp Genetics (formerly Invitae), Labcorp
Classification: Uncertain significance for Autoimmune interstitial lung disease-arthritis syndrome. Last evaluated: 2019-05-02. Review status: criteria provided, single submitter. Criteria: Invitae Variant Classification Sherloc (09022015). Collection method: clinical testing. Allele origin: germline.
Comment: This variant has not been reported in the literature in individuals with COPA-related conditions. This sequence change replaces alanine with glycine at codon 758 of the COPA protein (p.Ala758Gly). The alanine residue is highly conserved and there is a small physicochemical difference between alanine and glycine. This variant is not present in population databases (ExAC no frequency). Algorithms developed to predict the effect of missense changes on protein structure and function are either unavailable or do not agree on the potential impact of this missense change (SIFT: "Deleterious"; PolyPhen-2: "Probably Damaging"; Align-GVGD: "Class C0"). In summary, the available evidence is currently insufficient to determine the role of this variant in disease. Therefore, it has been classified as a Variant of Uncertain Significance.